The following is an entry in ClinVar:

ClinVar aggregate classification (germline): Likely pathogenic. Review status: criteria provided, multiple submitters, no conflicts (2 of 4 stars). 2 submissions from 2 submitters: Likely pathogenic (2). Last evaluated 2021-07-17.

Conditions:
Progressive sclerosing poliodystrophy (MTDPS4A). Also called: NEURONAL DEGENERATION OF CHILDHOOD WITH LIVER DISEASE, PROGRESSIVE; Alpers-Huttenlocher Syndrome (AHS); ALPERS PROGRESSIVE INFANTILE POLIODYSTROPHY; Mitochondrial DNA Depletion Syndrome 4A; Alpers Syndrome; ALPERS DIFFUSE DEGENERATION OF CEREBRAL GRAY MATTER WITH HEPATIC CIRRHOSIS. Identifiers: Orphanet 726, MedGen C0205710, MONDO:0008758, OMIM 203700.

Submissions (2):

Revvity Omics, Revvity
Classification: Likely pathogenic. Last evaluated: 2021-07-17. Review status: criteria provided, single submitter. Criteria: ACMG Guidelines, 2015. Collection method: clinical testing. Allele origin: germline.

Baylor Genetics
Classification: Likely pathogenic for Progressive sclerosing poliodystrophy. Last evaluated: 2019-04-05. Review status: criteria provided, single submitter. Criteria: ACMG Guidelines, 2015. Collection method: clinical testing. Allele origin: maternal. Affected: yes.
Comment: This variant was determined to be likely pathogenic according to ACMG Guidelines, 2015 [PMID:25741868].

NM_002693.3(POLG):c.1586-1G>A

Genes: MIR6766 (microRNA 6766; minus strand), POLG (DNA polymerase gamma, catalytic subunit; minus strand). Cytogenetic location: 15q26.1.
Variant type: single nucleotide variant.
Coding change: c.1586-1G>A on transcript NM_002693.3 (MANE Select); the canonical splice acceptor site of the intron before coding-DNA position 1586, G replaced by A.
Molecular consequence: splice acceptor variant. On other transcripts: non-coding transcript variant (1).
Genome position (GRCh38, 1-based): chr15:89,326,739, C>T on the plus strand (G>A on the coding strand, the complement: POLG is on the minus strand). VCF-style: chr15-89326739-C-T. GRCh37 (hg19) VCF-style: chr15-89869970-C-T.
Other names: c.1586-1G>A (NM_001126131.2).
Identifiers: ClinVar variation 1030580 (VCV001030580.5), dbSNP rs2055524549, ClinGen allele CA393760685.